The following is an entry in ClinVar:

NM_014491.4(FOXP2):c.258+36174C>T

Gene: FOXP2 (forkhead box P2; plus strand). Cytogenetic location: 7q31.1.
Variant type: single nucleotide variant.
Coding change: c.258+36174C>T on transcript NM_014491.4 (MANE Select); 36174 bases into the intron after coding-DNA position 258, C replaced by T.
Molecular consequence: intron variant. On other transcripts: missense variant (2), non-coding transcript variant (1).
Genome position (GRCh38, 1-based): chr7:114,570,880, C>T. VCF-style: chr7-114570880-C-T. GRCh37 (hg19) VCF-style: chr7-114210935-C-T.
Other names: c.332C>T, p.Ala111Val (NM_001172767.2, NM_148898.4); c.258+36174C>T (NM_148900.4, NM_001172766.3, NM_148899.3); short protein forms A111V.
Identifiers: ClinVar variation 1302904 (VCV001302904.2), dbSNP rs1279078392, ClinGen allele CA368963197.

ClinVar aggregate classification (germline): Uncertain significance (1 of 4 stars; one submission).

Allele frequency attached by ClinVar (database versions not stated): gnomAD exomes below 0.00001; TOPMed below 0.00001.
gnomAD v4.1: 5 of 1,611,568 alleles (0.00031%); highest among the groups gnomAD compares: Middle Eastern, 0.017%; no homozygotes.

Submission:

GeneDx
Classification: Uncertain significance. Last evaluated: 2019-04-29. Review status: criteria provided, single submitter. Criteria: GeneDx Variant Classification Process June 2021. Collection method: clinical testing. Allele origin: germline. Affected: yes.
Comment: Not observed in large population cohorts (Lek et al., 2016); In silico analysis, which includes splice predictors and evolutionary conservation, supports that this variant does not alter protein structure/function; Has not been previously published as pathogenic or benign to our knowledge